The following is an entry in ClinVar:

NM_001367561.1(DOCK7):c.6154C>T (p.Pro2052Ser)

Gene: DOCK7 (dedicator of cytokinesis 7; minus strand). Cytogenetic location: 1p31.3.
Variant type: single nucleotide variant.
Coding change: c.6154C>T on transcript NM_001367561.1 (MANE Select); coding-DNA position 6154, C replaced by T.
Protein change: p.Pro2052Ser; replaces proline 2052 with serine.
Molecular consequence: missense variant.
Genome position (GRCh38, 1-based): chr1:62,474,040, G>A on the plus strand (C>T on the coding strand, the complement: DOCK7 is on the minus strand). VCF-style: chr1-62474040-G-A. GRCh37 (hg19) VCF-style: chr1-62939711-G-A.
Other names: c.6121C>T, p.Pro2041Ser (NM_001271999.2); c.6034C>T, p.Pro2012Ser (NM_001272000.2); c.6028C>T, p.Pro2010Ser (NM_001272001.2); c.6127C>T, p.Pro2043Ser (NM_001330614.2); c.6061C>T, p.Pro2021Ser (NM_033407.4); short protein forms P2010S, P2021S, P2041S, P2012S, P2043S, P2052S.
Identifiers: ClinVar variation 945292 (VCV000945292.10), dbSNP rs757734282, ClinGen allele CA885279.

ClinVar aggregate classification (germline): Uncertain significance (1 of 4 stars; one submission).

Conditions:
Developmental and epileptic encephalopathy, 23 (DEE23). Also called: Epileptic encephalopathy, early infantile, 23. Identifiers: Orphanet 411986, MedGen C4014492, MONDO:0014371, OMIM 615859.

Allele frequency attached by ClinVar (database versions not stated): gnomAD exomes below 0.00001 and 0.00001; ExAC 0.00001; gnomAD 0.00001.
gnomAD v4.1: 8 of 1,613,632 alleles (0.0005%); highest among the groups gnomAD compares: Non-Finnish European, 0.00059%; no homozygotes.

Submission:

Labcorp Genetics (formerly Invitae), Labcorp
Classification: Uncertain significance for Developmental and epileptic encephalopathy, 23. Last evaluated: 2019-07-31. Review status: criteria provided, single submitter. Criteria: Invitae Variant Classification Sherloc (09022015). Collection method: clinical testing. Allele origin: germline.
Comment: This sequence change replaces proline with serine at codon 2041 of the DOCK7 protein (p.Pro2041Ser). The proline residue is highly conserved and there is a moderate physicochemical difference between proline and serine. In summary, the available evidence is currently insufficient to determine the role of this variant in disease. Therefore, it has been classified as a Variant of Uncertain Significance. Algorithms developed to predict the effect of missense changes on protein structure and function (SIFT, PolyPhen-2, Align-GVGD) all suggest that this variant is likely to be tolerated, but these predictions have not been confirmed by published functional studies and their clinical significance is uncertain. This variant has not been reported in the literature in individuals with DOCK7-related conditions. This variant is present in population databases (rs757734282, ExAC 0.002%).